The following is an entry in ClinVar:

NM_001370259.2(MEN1):c.913-2A>G

Gene: MEN1 (menin 1; minus strand). Cytogenetic location: 11q13.1.
Variant type: single nucleotide variant.
Coding change: c.913-2A>G on transcript NM_001370259.2 (MANE Select); the canonical splice acceptor site of the intron before coding-DNA position 913, A replaced by G.
Molecular consequence: splice acceptor variant.
Genome position (GRCh38, 1-based): chr11:64,806,370, T>C on the plus strand (A>G on the coding strand, the complement: MEN1 is on the minus strand). VCF-style: chr11-64806370-T-C. GRCh37 (hg19) VCF-style: chr11-64573842-T-C.
Other names: c.928-2A>G (NM_130804.3, NM_130803.3, NM_000244.4 and 5 more transcripts); c.808-2A>G (NM_001407148.1, NM_001407149.1, NM_001407151.1 and 2 more transcripts); c.913-2A>G (NM_130799.3, NM_001407144.1, NM_001370260.2 and 7 more transcripts).
Identifiers: ClinVar variation 428037 (VCV000428037.15), dbSNP rs1114167498, ClinGen allele CA381183467.

ClinVar aggregate classification (germline): Pathogenic/Likely pathogenic. Review status: criteria provided, multiple submitters, no conflicts (2 of 4 stars). 2 submissions from 2 submitters: Pathogenic (1); Likely pathogenic (1). Last evaluated 2021-01-02.

Conditions:
Hereditary cancer-predisposing syndrome. Also called: Hereditary neoplastic syndrome; Tumor predisposition; Neoplastic Syndromes, Hereditary; Hereditary Cancer Syndrome. Identifiers: Orphanet 140162, MedGen C0027672, MeSH D009386, MONDO:0015356.
Multiple endocrine neoplasia, type 1 (MEN1). Also called: MEN I; Endocrine adenomatosis multiple; MEN 1; WERMER SYNDROME; MEA I. Identifiers: Orphanet 652, MedGen C0025267, MeSH D018761, MONDO:0007540, OMIM 131100.

Submissions (2):

Labcorp Genetics (formerly Invitae), Labcorp
Classification: Pathogenic for Multiple endocrine neoplasia, type 1. Last evaluated: 2021-01-02. Review status: criteria provided, single submitter. Criteria: Invitae Variant Classification Sherloc (09022015). Collection method: clinical testing. Allele origin: germline.
Comment: For these reasons, this variant has been classified as Pathogenic. Donor and acceptor splice site variants typically lead to a loss of protein function (PMID: 16199547), and loss-of-function variants in MEN1 are known to be pathogenic (PMID: 12112656, 17853334). ClinVar contains an entry for this variant (Variation ID: 428037). This variant is not present in population databases (ExAC no frequency). This sequence change affects an acceptor splice site in intron 6 of the MEN1 gene. It is expected to disrupt RNA splicing and likely results in an absent or disrupted protein product.

Ambry Genetics
Classification: Likely pathogenic for Hereditary cancer-predisposing syndrome. Last evaluated: 2014-06-04. Review status: criteria provided, single submitter. Criteria: Ambry Variant Classification Scheme 2023. Collection method: clinical testing. Allele origin: germline.
Comment: The c.913-2A>G intronic variant results from an A to G substitution two nucleotides upstream from coding exon 6 in the MEN1 gene. This variant was not reported in population based cohorts in the following databases: Database of Single Nucleotide Polymorphisms (dbSNP), NHLBI Exome Sequencing Project (ESP), and 1000 Genomes Project. To date, this alteration has been detected with an allele frequency of approximately 0.09% (greater than 1,000 alleles tested) in our clinical cohort (includes this individual). This nucleotide position is highly conserved in available vertebrate species. Using the BDGP and ESEfinder splice site prediction tools, this alteration is predicted to abolish the native acceptor splice site; however, direct evidence is unavailable. Alterations that disrupt the canonical splice acceptor site are typically deleterious in nature (ACMG Recommendations for Standards for Interpretation and Reporting of Sequence Variations. Revision 2007. Genet Med. 2008;10:294). As such, the c.913-2A>G variant is classified as likely pathogenic.

Literature cited by the submitters: PubMed 16199547 (cited by Labcorp Genetics (formerly Invitae), Labcorp); PubMed 12112656 (cited by Labcorp Genetics (formerly Invitae), Labcorp); PubMed 17853334 (cited by Labcorp Genetics (formerly Invitae), Labcorp).